The following is an entry in ClinVar:

NM_015559.3(SETBP1):c.4139T>C (p.Leu1380Pro)

Gene: SETBP1 (SET binding protein 1; plus strand). Cytogenetic location: 18q12.3.
Variant type: single nucleotide variant.
Coding change: c.4139T>C on transcript NM_015559.3 (MANE Select); coding-DNA position 4139, T replaced by C.
Protein change: p.Leu1380Pro; replaces leucine 1380 with proline.
Molecular consequence: missense variant. On other transcripts: intron variant (1).
Genome position (GRCh38, 1-based): chr18:45,038,623, T>C. VCF-style: chr18-45038623-T-C. GRCh37 (hg19) VCF-style: chr18-42618588-T-C.
Other names: c.4139T>C, p.Leu1380Pro (NM_001379141.1, NM_001379142.1); c.4001-24456T>C (NM_001410862.1); short protein forms L1380P.
Identifiers: ClinVar variation 2572234 (VCV002572234.4), dbSNP rs2073447990, ClinGen allele CA402482602.

ClinVar aggregate classification (germline): Conflicting classifications of pathogenicity. Review status: criteria provided, conflicting classifications (1 of 4 stars). 2 submissions from 2 submitters: Uncertain significance (1); Benign (1). Last evaluated 2024-04-03.

Allele frequency attached by ClinVar (database versions not stated): TOPMed below 0.00001.

Submissions (2):

Labcorp Genetics (formerly Invitae), Labcorp
Classification: Benign. Last evaluated: 2024-04-03. Review status: criteria provided, single submitter. Criteria: Invitae Variant Classification Sherloc (09022015). Collection method: clinical testing. Allele origin: germline.

Greenwood Genetic Center Diagnostic Laboratories, Greenwood Genetic Center
Classification: Uncertain significance. Last evaluated: 2023-04-05. Review status: criteria provided, single submitter. Criteria: ACMG Guidelines, 2015. Collection method: clinical testing. Allele origin: germline. Affected: yes.
Comment: PM2